The following is an entry in ClinVar:

ClinVar aggregate classification (germline): Likely benign. Review status: criteria provided, multiple submitters, no conflicts (2 of 4 stars). 3 submissions from 3 submitters: Likely benign (2). 1 of the submissions does not count toward it. Last evaluated 2026-03-19.

Conditions:
USH1C-related disorder. Also called: USH1C-related condition.
Usher syndrome type 1C. Also called: USHER SYNDROME, TYPE I, ACADIAN VARIETY. Identifiers: Orphanet 231169, Orphanet 886, MedGen C1848604, MONDO:0010171, OMIM 276904.

Allele frequency attached by ClinVar (database versions not stated): gnomAD exomes below 0.00001 and 0.00001; TOPMed below 0.00001; ExAC 0.00001; gnomAD 0.00001.
gnomAD v4.1: 10 of 1,613,992 alleles (0.00062%); highest among the groups gnomAD compares: Middle Eastern, 0.033%; no homozygotes.

Submissions (3):

PreventionGenetics, part of Exact Sciences
Classification: Likely benign for USH1C-related condition. Last evaluated: 2026-03-19. Review status: criteria provided, single submitter. Criteria: ACMG Guidelines, 2015. Collection method: clinical testing. Allele origin: germline.
Comment: This variant is classified as likely benign based on ACMG/AMP sequence variant interpretation guidelines (Richards et al. 2015 PMID: 25741868, with internal and published modifications).

Labcorp Genetics (formerly Invitae), Labcorp
Classification: Likely benign. Last evaluated: 2025-05-05. Review status: criteria provided, single submitter. Criteria: Invitae Variant Classification Sherloc (09022015). Collection method: clinical testing. Allele origin: germline.

Natera, Inc.
Classification: Uncertain significance for Usher syndrome type 1C. Last evaluated: 2020-04-11. Review status: no assertion criteria provided. Collection method: clinical testing. Allele origin: germline. Not counted in ClinVar's aggregate classification.

NM_153676.4(USH1C):c.1101A>G (p.Glu367=)

Gene: USH1C (USH1 protein network component harmonin; minus strand). Cytogenetic location: 11p15.1.
Variant type: single nucleotide variant.
Coding change: c.1101A>G on transcript NM_153676.4 (MANE Select); coding-DNA position 1101, A replaced by G.
Protein change: p.Glu367=; no amino-acid change (glutamic acid 367 retained).
Molecular consequence: synonymous variant. On other transcripts: non-coding transcript variant (1).
Genome position (GRCh38, 1-based): chr11:17,520,979, T>C on the plus strand (A>G on the coding strand, the complement: USH1C is on the minus strand). VCF-style: chr11-17520979-T-C. GRCh37 (hg19) VCF-style: chr11-17542526-T-C.
Other names: c.1101A>G (NM_153676.3); c.1044A>G, p.Glu348= (NM_001297764.2); c.1101A>G, p.Glu367= (NM_005709.4).
Identifiers: ClinVar variation 795523 (VCV000795523.12), dbSNP rs764975771, ClinGen allele CA5904706.